The following is an entry in ClinVar:

NM_152703.5(SAMD9L):c.3946C>A (p.Gln1316Lys)

Gene: SAMD9L (sterile alpha motif domain containing 9 like; minus strand). Cytogenetic location: 7q21.2.
Variant type: single nucleotide variant.
Coding change: c.3946C>A on transcript NM_152703.5 (MANE Select); coding-DNA position 3946, C replaced by A.
Protein change: p.Gln1316Lys; replaces glutamine 1316 with lysine.
Molecular consequence: missense variant.
Genome position (GRCh38, 1-based): chr7:93,132,026, G>T on the plus strand (C>A on the coding strand, the complement: SAMD9L is on the minus strand). VCF-style: chr7-93132026-G-T. GRCh37 (hg19) VCF-style: chr7-92761339-G-T.
Other names: c.3946C>A, p.Gln1316Lys (NM_001303496.3, NM_001303497.3, NM_001303498.3 and 5 more transcripts); c.3946C>A (NM_152703.2); short protein forms Q1316K.
Identifiers: ClinVar variation 3016661 (VCV003016661.4), dbSNP rs763231544, ClinGen allele CA4343381.
Genomic context (GRCh38, chr7:93,132,026, plus strand): 5'-TCAGAGCTTCTAGCTTTTTCCTGCAATTCTCCTCCTGGAGTAATTGACTCTCTTTACTTT[G>T]TAATAGACATGGATCCAAATGACAGAAAAGTTCTGTGTATTTCCTGAAACAACGACTGAC-3'
Protein context (NP_689916.2, residues 1306-1326): LFCHLDPCLL[Gln1316Lys]SKESQLLQEE

ClinVar aggregate classification (germline): Uncertain significance. Review status: criteria provided, multiple submitters, no conflicts (2 of 4 stars). 2 submissions from 2 submitters: Uncertain significance (2). Last evaluated 2024-11-23.

Conditions:
Inborn genetic diseases. Identifiers: MedGen C0950123, MeSH D030342.

Allele frequency attached by ClinVar (database versions not stated): gnomAD exomes below 0.00001; TOPMed below 0.00001; ExAC 0.00001; gnomAD 0.00001.
gnomAD v4.1: 2 of 1,613,270 alleles (0.00012%); highest among the groups gnomAD compares: Non-Finnish European, 0.00017%; no homozygotes.

Submissions (2):

Ambry Genetics
Classification: Uncertain significance for Inborn genetic diseases. Last evaluated: 2024-11-23. Review status: criteria provided, single submitter. Criteria: Ambry Variant Classification Scheme 2023. Collection method: clinical testing. Allele origin: germline.
Comment: The p.Q1316K variant (also known as c.3946C>A), located in coding exon 1 of the SAMD9L gene, results from a C to A substitution at nucleotide position 3946. The glutamine at codon 1316 is replaced by lysine, an amino acid with similar properties. This amino acid position is conserved. In addition, this alteration is predicted to be tolerated by in silico analysis. Based on the available evidence, the clinical significance of this variant remains unclear.

Labcorp Genetics (formerly Invitae), Labcorp
Classification: Uncertain significance. Last evaluated: 2024-03-12. Review status: criteria provided, single submitter. Criteria: Invitae Variant Classification Sherloc (09022015). Collection method: clinical testing. Allele origin: germline.
Comment: This sequence change replaces glutamine, which is neutral and polar, with lysine, which is basic and polar, at codon 1316 of the SAMD9L protein (p.Gln1316Lys). This variant is present in population databases (rs763231544, gnomAD 0.0009%). This variant has not been reported in the literature in individuals affected with SAMD9L-related conditions. An algorithm developed to predict the effect of missense changes on protein structure and function (PolyPhen-2) suggests that this variant is likely to be tolerated. In summary, the available evidence is currently insufficient to determine the role of this variant in disease. Therefore, it has been classified as a Variant of Uncertain Significance.